The following is an entry in ClinVar:

ClinVar aggregate classification (germline): Pathogenic (1 of 4 stars; one submission).

Conditions:
Ehlers-Danlos syndrome, classic type, 1 (EDSCL1). Also called: EHLERS-DANLOS SYNDROME, GRAVIS TYPE; EHLERS-DANLOS SYNDROME, SEVERE CLASSIC TYPE; Ehlers-Danlos syndrome, type 1; Ehlers-Danlos Syndrome, Classic Type, COL5A1-Related; EDS I. Identifiers: MedGen C0268335, MONDO:0019567, OMIM 130000.
Osteogenesis imperfecta type I (OI1). Also called: OI, TYPE I; OSTEOGENESIS IMPERFECTA TARDA; OSTEOGENESIS IMPERFECTA WITH BLUE SCLERAE; Osteogenesis imperfecta type 1; Lobstein's Disease; Lobstein disease. Identifiers: Orphanet 216796, Orphanet 666, MedGen C0023931, MONDO:0008146, OMIM 166200. Disease mechanism: loss of function.

Submission:

Labcorp Genetics (formerly Invitae), Labcorp
Classification: Pathogenic for Osteogenesis imperfecta type I; Ehlers-Danlos syndrome, classic type, 1. Last evaluated: 2024-10-22. Review status: criteria provided, single submitter. Criteria: Invitae Variant Classification Sherloc (09022015). Collection method: clinical testing. Allele origin: germline.
Comment: This sequence change replaces glycine, which is neutral and non-polar, with cysteine, which is neutral and slightly polar, at codon 970 of the COL1A2 protein (p.Gly970Cys). This variant is not present in population databases (gnomAD no frequency). This missense change has been observed in individual(s) with osteogenesis imperfecta (internal data). Invitae Evidence Modeling of protein sequence and biophysical properties (such as structural, functional, and spatial information, amino acid conservation, physicochemical variation, residue mobility, and thermodynamic stability) indicates that this missense variant is expected to disrupt COL1A2 protein function with a positive predictive value of 95%. This variant disrupts the triple helix domain of COL1A2. Glycine residues within the Gly-Xaa-Yaa repeats of the triple helix domain are required for the structure and stability of fibrillar collagens (PMID: 7695699, 8218237, 19344236). In COL1A2, variants affecting these glycine residues are significantly enriched in individuals with disease (PMID: 9016532, 17078022) compared to the general population (ExAC). This variant disrupts the p.Gly970 amino acid residue in COL1A2. Other variant(s) that disrupt this residue have been observed in individuals with COL1A2-related conditions (PMID: 17078022; internal data), which suggests that this may be a clinically significant amino acid residue. For these reasons, this variant has been classified as Pathogenic.

Literature cited by the submitters: PubMed 7695699; PubMed 8218237; PubMed 19344236; PubMed 9016532; PubMed 17078022.

NM_000089.4(COL1A2):c.2908G>T (p.Gly970Cys)

Gene: COL1A2 (collagen type I alpha 2 chain; plus strand). Cytogenetic location: 7q21.3.
Variant type: single nucleotide variant.
Coding change: c.2908G>T on transcript NM_000089.4 (MANE Select); coding-DNA position 2908, G replaced by T.
Protein change: p.Gly970Cys; replaces glycine 970 with cysteine.
Molecular consequence: missense variant.
Genome position (GRCh38, 1-based): chr7:94,425,822, G>T. VCF-style: chr7-94425822-G-T. GRCh37 (hg19) VCF-style: chr7-94055134-G-T.
Other names: short protein forms G970C.
Identifiers: ClinVar variation 3758894 (VCV003758894.2).